The following is an entry in ClinVar:

ClinVar aggregate classification (germline): Uncertain significance (1 of 4 stars; one submission).

Conditions:
Hereditary cancer-predisposing syndrome. Also called: Hereditary Cancer Syndrome; Hereditary neoplastic syndrome; Neoplastic Syndromes, Hereditary; Tumor predisposition. Identifiers: Orphanet 140162, MedGen C0027672, MeSH D009386, MONDO:0015356.

Submission:

Ambry Genetics
Classification: Uncertain significance for Hereditary cancer-predisposing syndrome. Last evaluated: 2021-09-01. Review status: criteria provided, single submitter. Criteria: Ambry Variant Classification Scheme 2023. Collection method: clinical testing. Allele origin: germline.
Comment: The p.L48M variant (also known as c.142C>A), located in coding exon 1 of the BARD1 gene, results from a C to A substitution at nucleotide position 142. The leucine at codon 48 is replaced by methionine, an amino acid with highly similar properties. This amino acid position is conserved. In addition, this alteration is predicted to be deleterious by in silico analysis. Since supporting evidence is limited at this time, the clinical significance of this alteration remains unclear.

NM_000465.4(BARD1):c.142C>A (p.Leu48Met)

Gene: BARD1 (BRCA1 associated RING domain 1; minus strand). Cytogenetic location: 2q35.
Variant type: single nucleotide variant.
Coding change: c.142C>A on transcript NM_000465.4 (MANE Select); coding-DNA position 142, C replaced by A.
Protein change: p.Leu48Met; replaces leucine 48 with methionine.
Molecular consequence: missense variant. On other transcripts: non-coding transcript variant (3).
Genome position (GRCh38, 1-based): chr2:214,809,428, G>T on the plus strand (C>A on the coding strand, the complement: BARD1 is on the minus strand). VCF-style: chr2-214809428-G-T. GRCh37 (hg19) VCF-style: chr2-215674152-G-T.
Other names: c.142C>A, p.Leu48Met (NM_001282543.2, NM_001282545.2, NM_001282548.2 and 1 more transcripts); short protein forms L48M.
Identifiers: ClinVar variation 1772459 (VCV001772459.2), dbSNP rs1057521017, ClinGen allele CA350464818.